The following is an entry in ClinVar:

NM_005559.4(LAMA1):c.3648G>A (p.Pro1216=)

Gene: LAMA1 (laminin subunit alpha 1; minus strand). Cytogenetic location: 18p11.31.
Variant type: single nucleotide variant.
Coding change: c.3648G>A on transcript NM_005559.4 (MANE Select); coding-DNA position 3648, G replaced by A.
Protein change: p.Pro1216=; no amino-acid change (proline 1216 retained).
Molecular consequence: synonymous variant.
Genome position (GRCh38, 1-based): chr18:7,011,339, C>T on the plus strand (G>A on the coding strand, the complement: LAMA1 is on the minus strand). VCF-style: chr18-7011339-C-T. GRCh37 (hg19) VCF-style: chr18-7011338-C-T.
Other names: p.Pro1216=.
Identifiers: ClinVar variation 1164104 (VCV001164104.11), dbSNP rs12969598, ClinGen allele CA8882206.

ClinVar aggregate classification (germline): Benign. Review status: criteria provided, multiple submitters, no conflicts (2 of 4 stars). 3 submissions from 3 submitters: Benign (3). Last evaluated 2026-02-02.

Allele frequency attached by ClinVar (database versions not stated): 1000 Genomes Project 0.01757; 1000 Genomes Project 30x 0.01811; gnomAD exomes 0.03287; gnomAD 0.03419 and 0.03504; TOPMed 0.03508; ESP Exome Variant Server 0.03764; ExAC 0.03822.
gnomAD v4.1: 63,423 of 1,612,252 alleles (3.9%); highest among the groups gnomAD compares: Middle Eastern, 4.5%; 1,378 homozygotes.

Submissions (3):

Labcorp Genetics (formerly Invitae), Labcorp
Classification: Benign. Last evaluated: 2026-02-02. Review status: criteria provided, single submitter. Criteria: Invitae Variant Classification Sherloc (09022015). Collection method: clinical testing. Allele origin: germline.

Mayo Clinic Laboratories, Mayo Clinic
Classification: Benign. Last evaluated: 2023-01-03. Review status: criteria provided, single submitter. Criteria: ACMG Guidelines, 2015. Collection method: clinical testing. Allele origin: germline. Observed: 39 variant alleles.
Comment: BS1, BS2, BP4, BP7

Breakthrough Genomics
Classification: Benign. Review status: criteria provided, single submitter. Criteria: ACMG Guidelines, 2015. Collection method: not provided. Allele origin: germline. Inheritance: Autosomal recessive inheritance. Affected: yes.